The following is an entry in ClinVar:

NM_177550.5(SLC13A5):c.806G>A (p.Trp269Ter)

Gene: SLC13A5 (solute carrier family 13 member 5; minus strand). Cytogenetic location: 17p13.1.
Variant type: single nucleotide variant.
Coding change: c.806G>A on transcript NM_177550.5 (MANE Select); coding-DNA position 806, G replaced by A.
Protein change: p.Trp269Ter; replaces tryptophan 269 with a stop codon.
Molecular consequence: nonsense.
Genome position (GRCh38, 1-based): chr17:6,701,037, C>T on the plus strand (G>A on the coding strand, the complement: SLC13A5 is on the minus strand). VCF-style: chr17-6701037-C-T. GRCh37 (hg19) VCF-style: chr17-6604356-C-T.
Other names: c.806G>A, p.Trp269Ter (NM_001143838.3); c.755G>A, p.Trp252Ter (NM_001284509.2); c.677G>A, p.Trp226Ter (NM_001284510.2); short protein forms W226*, W269*, W252*.
Identifiers: ClinVar variation 3664328 (VCV003664328.2).

ClinVar aggregate classification (germline): Pathogenic (1 of 4 stars; one submission).

Conditions:
Developmental and epileptic encephalopathy, 25 (DEE25). Also called: Developmental and epileptic encephalopathy 25, with amelogenesis imperfecta; Epileptic encephalopathy, early infantile, 25, with amelogenesis imperfecta; Epileptic encephalopathy, early infantile, 25. Identifiers: Orphanet 442835, MedGen C4014621, MONDO:0014392, OMIM 615905.

Submission:

Labcorp Genetics (formerly Invitae), Labcorp
Classification: Pathogenic for Developmental and epileptic encephalopathy, 25. Last evaluated: 2024-09-03. Review status: criteria provided, single submitter. Criteria: Invitae Variant Classification Sherloc (09022015). Collection method: clinical testing. Allele origin: germline.
Comment: This sequence change creates a premature translational stop signal (p.Trp269*) in the SLC13A5 gene. It is expected to result in an absent or disrupted protein product. Loss-of-function variants in SLC13A5 are known to be pathogenic (PMID: 24995870, 26384929). This variant is not present in population databases (gnomAD no frequency). This variant has not been reported in the literature in individuals affected with SLC13A5-related conditions. For these reasons, this variant has been classified as Pathogenic.

Literature cited by the submitters: PubMed 24995870; PubMed 26384929.